The following is an entry in ClinVar:

ClinVar aggregate classification (germline): Uncertain significance. Review status: criteria provided, multiple submitters, no conflicts (2 of 4 stars). 2 submissions from 2 submitters: Uncertain significance (2). Last evaluated 2025-06-28.

Conditions:
Inborn genetic diseases. Identifiers: MedGen C0950123, MeSH D030342.

gnomAD v4.1: 13 of 1,614,026 alleles (0.00081%); highest among the groups gnomAD compares: African/African-American, 0.016%; no homozygotes.

Submissions (2):

Labcorp Genetics (formerly Invitae), Labcorp
Classification: Uncertain significance. Last evaluated: 2025-06-28. Review status: criteria provided, single submitter. Criteria: Invitae Variant Classification Sherloc (09022015). Collection method: clinical testing. Allele origin: germline.
Comment: This sequence change replaces proline, which is neutral and non-polar, with leucine, which is neutral and non-polar, at codon 1267 of the ARHGAP31 protein (p.Pro1267Leu). This variant is present in population databases (rs200224777, gnomAD 0.02%). This variant has not been reported in the literature in individuals affected with ARHGAP31-related conditions. ClinVar contains an entry for this variant (Variation ID: 3422958). An algorithm developed to predict the effect of missense changes on protein structure and function (PolyPhen-2) suggests that this variant is likely to be tolerated. In summary, the available evidence is currently insufficient to determine the role of this variant in disease. Therefore, it has been classified as a Variant of Uncertain Significance.

Ambry Genetics
Classification: Uncertain significance for Inborn genetic diseases. Last evaluated: 2024-12-02. Review status: criteria provided, single submitter. Criteria: Ambry Variant Classification Scheme 2023. Collection method: clinical testing. Allele origin: germline.

NM_020754.4(ARHGAP31):c.3800C>T (p.Pro1267Leu)

Gene: ARHGAP31 (Rho GTPase activating protein 31; plus strand). Cytogenetic location: 3q13.33.
Variant type: single nucleotide variant.
Coding change: c.3800C>T on transcript NM_020754.4 (MANE Select); coding-DNA position 3800, C replaced by T.
Protein change: p.Pro1267Leu; replaces proline 1267 with leucine.
Molecular consequence: missense variant.
Genome position (GRCh38, 1-based): chr3:119,415,729, C>T. VCF-style: chr3-119415729-C-T. GRCh37 (hg19) VCF-style: chr3-119134576-C-T.
Other names: short protein forms P1267L.
Identifiers: ClinVar variation 3422958 (VCV003422958.2).
Genomic context (GRCh38, chr3:119,415,729, plus strand): 5'-CCAAAGATGATTCTCCCTCCTCCCTGGAAAGCTCAAAGGAAGAAAAACCAAAGCAAGATC[C>T]CGGAGCCATTAAGTCCTCACCAGTGGATGCCACTGCACCCTGCATGTGCGAGGGACCTAC-3'
Protein context (NP_065805.2, residues 1257-1277): SSKEEKPKQD[Pro1267Leu]GAIKSSPVDA